The following is an entry in ClinVar:

NM_001367624.2(ZNF469):c.974C>T (p.Pro325Leu)

Gene: ZNF469 (zinc finger protein 469; plus strand). Cytogenetic location: 16q24.2.
Variant type: single nucleotide variant.
Coding change: c.974C>T on transcript NM_001367624.2 (MANE Select); coding-DNA position 974, C replaced by T.
Protein change: p.Pro325Leu; replaces proline 325 with leucine.
Molecular consequence: missense variant.
Genome position (GRCh38, 1-based): chr16:88,428,444, C>T. VCF-style: chr16-88428444-C-T. GRCh37 (hg19) VCF-style: chr16-88494852-C-T.
Other names: NM_001127464.1:c.974C>T; short protein forms P325L.
Identifiers: ClinVar variation 1305683 (VCV001305683.5), dbSNP rs546224574, ClinGen allele CA8224649.

ClinVar aggregate classification (germline): Uncertain significance. Review status: criteria provided, multiple submitters, no conflicts (2 of 4 stars). 3 submissions from 3 submitters: Uncertain significance (3). Last evaluated 2022-08-19.

Conditions:
Cardiovascular phenotype. Identifiers: MedGen CN230736.

Allele frequency attached by ClinVar (database versions not stated): gnomAD 0.00001; gnomAD exomes 0.00001; TOPMed 0.00002; ExAC 0.00007.
gnomAD v4.1: 10 of 1,548,214 alleles (0.00065%); highest among the groups gnomAD compares: South Asian, 0.0024%; 1 homozygote.

Submissions (3):

Labcorp Genetics (formerly Invitae), Labcorp
Classification: Uncertain significance. Last evaluated: 2022-08-19. Review status: criteria provided, single submitter. Criteria: Invitae Variant Classification Sherloc (09022015). Collection method: clinical testing. Allele origin: germline.
Comment: This sequence change replaces proline, which is neutral and non-polar, with leucine, which is neutral and non-polar, at codon 325 of the ZNF469 protein (p.Pro325Leu). This variant is present in population databases (rs546224574, gnomAD 0.01%). This variant has not been reported in the literature in individuals affected with ZNF469-related conditions. ClinVar contains an entry for this variant (Variation ID: 1305683). Algorithms developed to predict the effect of missense changes on protein structure and function are either unavailable or do not agree on the potential impact of this missense change (SIFT: "Deleterious"; PolyPhen-2: "Benign"; Align-GVGD: "Class C0"). In summary, the available evidence is currently insufficient to determine the role of this variant in disease. Therefore, it has been classified as a Variant of Uncertain Significance.

Ambry Genetics
Classification: Uncertain significance for Cardiovascular phenotype. Last evaluated: 2022-03-06. Review status: criteria provided, single submitter. Criteria: Ambry Variant Classification Scheme 2023. Collection method: clinical testing. Allele origin: germline.
Comment: The p.P325L variant (also known as c.974C>T), located in coding exon 1 of the ZNF469 gene, results from a C to T substitution at nucleotide position 974. The proline at codon 325 is replaced by leucine, an amino acid with similar properties. This amino acid position is conserved. In addition, this alteration is predicted to be tolerated by in silico analysis. Since supporting evidence is limited at this time, the clinical significance of this alteration remains unclear.

GeneDx
Classification: Uncertain significance. Last evaluated: 2019-05-06. Review status: criteria provided, single submitter. Criteria: GeneDx Variant Classification Process June 2021. Collection method: clinical testing. Allele origin: germline. Affected: yes.
Comment: Not observed at a significant frequency in large population cohorts (Lek et al., 2016); In silico analysis, which includes protein predictors and evolutionary conservation, supports a deleterious effect; Has not been previously published as pathogenic or benign to our knowledge